The following is an entry in ClinVar:

ClinVar aggregate classification (germline): Uncertain significance. Review status: criteria provided, multiple submitters, no conflicts (2 of 4 stars). 8 submissions from 8 submitters: Uncertain significance (7). 1 of the submissions does not count toward it. Last evaluated 2025-05-01.

Conditions:
Cardiovascular phenotype. Identifiers: MedGen CN230736.
Alstrom syndrome (ALMS). Identifiers: Orphanet 64, MedGen C0268425, MONDO:0008763, OMIM 203800.

Allele frequency attached by ClinVar (database versions not stated): ExAC 0.00008; gnomAD exomes 0.00008 and 0.00027; TOPMed 0.00012; gnomAD 0.00016; ESP Exome Variant Server 0.00025.
gnomAD v4.1: 445 of 1,614,174 alleles (0.028%); highest among the groups gnomAD compares: Non-Finnish European, 0.034%; 1 homozygote.

Submissions (8):

ARUP Laboratories, Molecular Genetics and Genomics, ARUP Laboratories
Classification: Uncertain significance for Alstrom syndrome. Last evaluated: 2025-05-01. Review status: criteria provided, single submitter. Criteria: ARUP Molecular Germline Variant Investigation Process 2024. Collection method: clinical testing. Allele origin: germline.
Comment: The ALMS1 c.8644C>T; p.Leu2882Phe variant (rs373944325), to our knowledge, is not reported in the medical literature but is reported in ClinVar (Variation ID: 391768). This variant is found in the general population with an overall allele frequency of 0.0096% (27/280558 alleles) in the Genome Aggregation Database (v2.1.1). Computational analyses predict that this variant is neutral (REVEL: 0.118). Due to limited information, the clinical significance of this variant is uncertain at this time.

GeneDx
Classification: Uncertain significance. Last evaluated: 2024-12-10. Review status: criteria provided, single submitter. Criteria: GeneDx Variant Classification Process June 2021. Collection method: clinical testing. Allele origin: germline. Affected: yes.
Comment: In silico analysis supports that this missense variant does not alter protein structure/function; Has not been previously published as pathogenic or benign to our knowledge

Blueprint Genetics
Classification: Uncertain significance. Last evaluated: 2024-11-06. Review status: criteria provided, single submitter. Criteria: ACMG Guidelines, 2015. Collection method: clinical testing. Allele origin: germline.

Ambry Genetics
Classification: Uncertain significance for Cardiovascular phenotype. Last evaluated: 2024-04-03. Review status: criteria provided, single submitter. Criteria: Ambry Variant Classification Scheme 2023. Collection method: clinical testing. Allele origin: germline.
Comment: The p.L2883F variant (also known as c.8647C>T), located in coding exon 10 of the ALMS1 gene, results from a C to T substitution at nucleotide position 8647. The leucine at codon 2883 is replaced by phenylalanine, an amino acid with highly similar properties. This amino acid position is highly conserved in available vertebrate species. In addition, this alteration is predicted to be tolerated by in silico analysis. Based on the available evidence, the clinical significance of this variant remains unclear.

Labcorp Genetics (formerly Invitae), Labcorp
Classification: Uncertain significance for Alstrom syndrome. Last evaluated: 2022-09-27. Review status: criteria provided, single submitter. Criteria: Invitae Variant Classification Sherloc (09022015). Collection method: clinical testing. Allele origin: germline.
Comment: This sequence change replaces leucine, which is neutral and non-polar, with phenylalanine, which is neutral and non-polar, at codon 2883 of the ALMS1 protein (p.Leu2883Phe). This variant is present in population databases (rs373944325, gnomAD 0.02%). This variant has not been reported in the literature in individuals affected with ALMS1-related conditions. ClinVar contains an entry for this variant (Variation ID: 391768). Experimental studies and prediction algorithms are not available or were not evaluated, and the functional significance of this variant is currently unknown. In summary, the available evidence is currently insufficient to determine the role of this variant in disease. Therefore, it has been classified as a Variant of Uncertain Significance.

Fulgent Genetics
Classification: Uncertain significance for Alstrom syndrome. Last evaluated: 2022-04-05. Review status: criteria provided, single submitter. Criteria: ACMG Guidelines, 2015. Collection method: clinical testing. Allele origin: unknown.

Genetic Services Laboratory, University of Chicago
Classification: Uncertain significance. Last evaluated: 2018-02-21. Review status: criteria provided, single submitter. Criteria: ACMG Guidelines, 2015. Collection method: clinical testing. Allele origin: germline. Affected: no.

Natera, Inc.
Classification: Uncertain significance for Alstrom syndrome. Last evaluated: 2019-10-28. Review status: no assertion criteria provided. Collection method: clinical testing. Allele origin: germline. Not counted in ClinVar's aggregate classification.

NM_001378454.1(ALMS1):c.8644C>T (p.Leu2882Phe)

Gene: ALMS1 (ALMS1 centrosome and basal body associated protein; plus strand). Cytogenetic location: 2p13.1.
Variant type: single nucleotide variant.
Coding change: c.8644C>T on transcript NM_001378454.1 (MANE Select); coding-DNA position 8644, C replaced by T.
Protein change: p.Leu2882Phe; replaces leucine 2882 with phenylalanine.
Molecular consequence: missense variant.
Genome position (GRCh38, 1-based): chr2:73,490,603, C>T. VCF-style: chr2-73490603-C-T. GRCh37 (hg19) VCF-style: chr2-73717730-C-T.
Other names: c.8647C>T, p.Leu2883Phe (NM_015120.4); short protein forms L2883F, L2882F.
Identifiers: ClinVar variation 391768 (VCV000391768.17), dbSNP rs373944325, ClinGen allele CA1714508.
Genomic context (GRCh38, chr2:73,490,603, plus strand): 5'-AGACTAGGAGTAAAAGAGAAGAATGTAACTATAACTCCAGATCTTCCTTCTTGCATTTTT[C>T]TTGAACAACGAGAGCTCTTTGAACAAAGCAAAGCCCCACGTGCAGATGACCATGTGAGGA-3'
Protein context (NP_001365383.1, residues 2872-2892): ITPDLPSCIF[Leu2882Phe]EQRELFEQSK